The following is an entry in ClinVar:

ClinVar aggregate classification (germline): Conflicting classifications of pathogenicity. Review status: criteria provided, conflicting classifications (1 of 4 stars). 9 submissions from 9 submitters: Uncertain significance (6); Benign (1); Likely benign (2). Last evaluated 2025-10-29.

Conditions:
Autosomal recessive nonsyndromic hearing loss 3. Also called: NEUROSENSORY NONSYNDROMIC RECESSIVE DEAFNESS 3. Identifiers: Orphanet 90636, MedGen C1838263, MONDO:0010860, OMIM 600316.
MYO15A-related disorder. Also called: MYO15A-related condition.

Allele frequency attached by ClinVar (database versions not stated): gnomAD exomes 0.00005 and 0.00017; gnomAD 0.00009 and 0.00011; TOPMed 0.00009; ExAC 0.00016; 1000 Genomes Project 30x 0.00078; 1000 Genomes Project 0.00080.
gnomAD v4.1: 92 of 1,614,092 alleles (0.0057%); highest among the groups gnomAD compares: East Asian, 0.19%; no homozygotes.

Submissions (9):

Women's Health and Genetics/Laboratory Corporation of America, LabCorp
Classification: Uncertain significance. Last evaluated: 2025-10-29. Review status: criteria provided, single submitter. Criteria: LabCorp Variant Classification Summary - May 2015. Collection method: clinical testing. Allele origin: germline.
Comment: Variant summary: MYO15A c.7547C>T (p.Ala2516Val) results in a non-conservative amino acid change in the encoded protein sequence. Algorithms developed to predict the effect of missense changes on protein structure and function are either unavailable or do not agree on the potential impact of this missense change. The variant allele was found at a frequency of 0.00017 in 249398 control chromosomes. This frequency is not significantly higher than estimated for disease-causing variants in MYO15A, allowing no conclusion about variant significance. c.7547C>T has been observed in the compound heterozygous state in at least 1 individual(s) affected with clinical features of Autosomal Recessive Nonsyndromic Hearing Loss 3 (Gombojav_2024) as well as in the presumed compound heterozygous state in at least 1 individual who had an alternate cause for disease (Gao_2021). These data do not allow any conclusion about variant significance. To our knowledge, no experimental evidence demonstrating an impact on protein function has been reported. The following publications have been ascertained in the context of this evaluation (PMID: 32737134, 24654934, 39336818). ClinVar contains an entry for this variant (Variation ID: 322162). Based on the evidence outlined above, the variant was classified as uncertain significance.

Labcorp Genetics (formerly Invitae), Labcorp
Classification: Benign. Last evaluated: 2025-03-19. Review status: criteria provided, single submitter. Criteria: Invitae Variant Classification Sherloc (09022015). Collection method: clinical testing. Allele origin: germline.

Blueprint Genetics
Classification: Likely benign. Last evaluated: 2024-10-28. Review status: criteria provided, single submitter. Criteria: ACMG Guidelines, 2015. Collection method: clinical testing. Allele origin: germline.

PreventionGenetics, part of Exact Sciences
Classification: Likely benign for MYO15A-related condition. Last evaluated: 2024-10-28. Review status: criteria provided, single submitter. Criteria: ACMG Guidelines, 2015. Collection method: clinical testing. Allele origin: germline.
Comment: This variant is classified as likely benign based on ACMG/AMP sequence variant interpretation guidelines (Richards et al. 2015 PMID: 25741868, with internal and published modifications).

Department of Pathology and Laboratory Medicine, Sinai Health System
Classification: Uncertain significance for Autosomal recessive nonsyndromic hearing loss 3. Last evaluated: 2022-10-18. Review status: criteria provided, single submitter. Criteria: ACMG Guidelines, 2015. Collection method: research. Allele origin: germline.

3billion
Classification: Uncertain significance for Autosomal recessive nonsyndromic hearing loss 3. Last evaluated: 2022-05-22. Review status: criteria provided, single submitter. Criteria: ACMG Guidelines, 2015. Collection method: clinical testing. Allele origin: germline. Affected: yes. Observed: 1 heterozygote.
Comment: The variant is observed at an extremely low frequency in the gnomAD v2.1.1 dataset (total allele frequency: 0.018%). In silico tool predictions suggest no damaging effect of the variant on gene or gene product (REVEL: 0.17; 3Cnet: 0.00). Therefore, this variant is classified as uncertain significanceaccording to the recommendation of ACMG/AMP guideline.

GeneDx
Classification: Uncertain significance. Last evaluated: 2019-09-19. Review status: criteria provided, single submitter. Criteria: GeneDx Variant Classification Process June 2021. Collection method: clinical testing. Allele origin: germline. Affected: yes.
Comment: In silico analysis, which includes protein predictors and evolutionary conservation, supports that this variant does not alter protein structure/function; Has not been previously published as pathogenic or benign to our knowledge

Illumina Laboratory Services, Illumina
Classification: Uncertain significance for Autosomal recessive nonsyndromic hearing loss 3. Last evaluated: 2018-01-13. Review status: criteria provided, single submitter. Criteria: ICSL Variant Classification Criteria 13 December 2019. Collection method: clinical testing. Allele origin: germline.

Genetic Testing Center for Deafness, Department of Otolaryngology Head & Neck Surgery, Institute of Otolaryngology, Chinese PLA General Hospital
Classification: Uncertain significance for Autosomal recessive nonsyndromic hearing loss 3. Review status: criteria provided, single submitter. Criteria: ClinGen HL ACMG Specifications v1. Collection method: case-control. Allele origin: maternal. Observed: 2 variant alleles.

Literature cited by the submitters: PubMed 24654934 (cited by Women's Health and Genetics/Laboratory Corporation of America, LabCorp); PubMed 32737134 (cited by Women's Health and Genetics/Laboratory Corporation of America, LabCorp); PubMed 39336818 (cited by Women's Health and Genetics/Laboratory Corporation of America, LabCorp).

NM_016239.4(MYO15A):c.7547C>T (p.Ala2516Val)

Gene: MYO15A (myosin XVA; plus strand). Cytogenetic location: 17p11.2.
Variant type: single nucleotide variant.
Coding change: c.7547C>T on transcript NM_016239.4 (MANE Select); coding-DNA position 7547, C replaced by T.
Protein change: p.Ala2516Val; replaces alanine 2516 with valine.
Molecular consequence: missense variant.
Genome position (GRCh38, 1-based): chr17:18,151,183, C>T. VCF-style: chr17-18151183-C-T. GRCh37 (hg19) VCF-style: chr17-18054497-C-T.
Other names: short protein forms A2516V.
Identifiers: ClinVar variation 322162 (VCV000322162.20), dbSNP rs201073816, ClinGen allele CA8424879.